The following is an entry in ClinVar:

ClinVar aggregate classification (germline): Conflicting classifications of pathogenicity. Review status: criteria provided, conflicting classifications (1 of 4 stars). 6 submissions from 6 submitters: Likely pathogenic (1); Uncertain significance (1). 4 of the submissions do not count toward it. Last evaluated 2025-12-08.

Conditions:
Dilated cardiomyopathy 1DD (CMD1DD). Identifiers: Orphanet 154, MedGen C2750995, MONDO:0013168, OMIM 613172.

Allele frequency attached by ClinVar (database versions not stated): TOPMed below 0.00001; gnomAD exomes 0.00001.
gnomAD v4.1: 3 of 1,550,422 alleles (0.00019%); highest among the groups gnomAD compares: Non-Finnish European, 0.00026%; no homozygotes.

Submissions (6):

Labcorp Genetics (formerly Invitae), Labcorp
Classification: Likely pathogenic for Dilated cardiomyopathy 1DD. Last evaluated: 2025-12-08. Review status: criteria provided, single submitter. Criteria: Invitae Variant Classification Sherloc (09022015). Collection method: clinical testing. Allele origin: germline.
Comment: This sequence change affects an acceptor splice site in intron 5 of the RBM20 gene. It is expected to disrupt RNA splicing. Variants that disrupt the donor or acceptor splice site typically lead to a loss of protein function (PMID: 16199547), and loss-of-function variants in RBM20 are known to be pathogenic (PMID: 20590677, 22004663, 38288598, 38510713, 40339755). This variant is not present in population databases (gnomAD no frequency). Disruption of this splice site has been observed in individual(s) with dilated cardiomyopathy (PMID: 29540472, 32880476). ClinVar contains an entry for this variant (Variation ID: 1284881). Algorithms developed to predict the effect of sequence changes on RNA splicing suggest that this variant may disrupt the consensus splice site. In summary, the currently available evidence indicates that the variant is pathogenic, but additional data are needed to prove that conclusively. Therefore, this variant has been classified as Likely Pathogenic.

Fulgent Genetics
Classification: Uncertain significance for Dilated cardiomyopathy 1DD. Last evaluated: 2021-11-16. Review status: criteria provided, single submitter. Criteria: ACMG Guidelines, 2015. Collection method: clinical testing. Allele origin: unknown.

Clinical Genetics DNA and cytogenetics Diagnostics Lab, Erasmus MC, Erasmus Medical Center
Classification: Uncertain significance. Review status: no assertion criteria provided. Collection method: clinical testing. Allele origin: germline. Affected: yes. Study: VKGL Data-share Consensus. Not counted in ClinVar's aggregate classification.

Clinical Genetics, Academic Medical Center
Classification: Uncertain significance. Review status: no assertion criteria provided. Collection method: clinical testing. Allele origin: germline. Affected: yes. Study: VKGL Data-share Consensus. Not counted in ClinVar's aggregate classification.

Genome Diagnostics Laboratory, University Medical Center Utrecht
Classification: Uncertain significance. Review status: no assertion criteria provided. Collection method: clinical testing. Allele origin: germline. Affected: yes. Study: VKGL Data-share Consensus. Not counted in ClinVar's aggregate classification.

Joint Genome Diagnostic Labs from Nijmegen and Maastricht, Radboudumc and MUMC+
Classification: Uncertain significance. Review status: no assertion criteria provided. Collection method: clinical testing. Allele origin: germline. Affected: yes. Study: VKGL Data-share Consensus. Not counted in ClinVar's aggregate classification.

Literature cited by the submitters: PubMed 16199547 (cited by Labcorp Genetics (formerly Invitae), Labcorp); PubMed 20590677 (cited by Labcorp Genetics (formerly Invitae), Labcorp); PubMed 22004663 (cited by Labcorp Genetics (formerly Invitae), Labcorp); PubMed 38288598 (cited by Labcorp Genetics (formerly Invitae), Labcorp); PubMed 38510713 (cited by Labcorp Genetics (formerly Invitae), Labcorp); PubMed 40339755 (cited by Labcorp Genetics (formerly Invitae), Labcorp); PubMed 29540472 (cited by Labcorp Genetics (formerly Invitae), Labcorp); PubMed 32880476 (cited by Labcorp Genetics (formerly Invitae), Labcorp).

NM_001134363.3(RBM20):c.1528-1G>C

Gene: RBM20 (RNA binding motif protein 20; plus strand). Cytogenetic location: 10q25.2.
Variant type: single nucleotide variant.
Coding change: c.1528-1G>C on transcript NM_001134363.3 (MANE Select); the canonical splice acceptor site of the intron before coding-DNA position 1528, G replaced by C.
Molecular consequence: splice acceptor variant.
Genome position (GRCh38, 1-based): chr10:110,797,507, G>C. VCF-style: chr10-110797507-G-C. GRCh37 (hg19) VCF-style: chr10-112557265-G-C.
Identifiers: ClinVar variation 1284881 (VCV001284881.12), dbSNP rs534513476, ClinGen allele CA213244894.